The following is an entry in ClinVar:

ClinVar aggregate classification (germline): Conflicting classifications of pathogenicity. Review status: criteria provided, conflicting classifications (1 of 4 stars). 2 submissions from 2 submitters: Uncertain significance (1); Likely benign (1). Last evaluated 2024-02-15.

Allele frequency attached by ClinVar (database versions not stated): ExAC 0.00001; gnomAD exomes 0.00001.
gnomAD v4.1: 6 of 1,614,126 alleles (0.00037%); highest among the groups gnomAD compares: South Asian, 0.0055%; no homozygotes.

Submissions (2):

Labcorp Genetics (formerly Invitae), Labcorp
Classification: Uncertain significance. Last evaluated: 2024-02-15. Review status: criteria provided, single submitter. Criteria: Invitae Variant Classification Sherloc (09022015). Collection method: clinical testing. Allele origin: germline.
Comment: This sequence change replaces valine, which is neutral and non-polar, with alanine, which is neutral and non-polar, at codon 981 of the ADNP protein (p.Val981Ala). This variant is present in population databases (rs745827301, gnomAD 0.006%). This variant has not been reported in the literature in individuals affected with ADNP-related conditions. ClinVar contains an entry for this variant (Variation ID: 1972673). Algorithms developed to predict the effect of missense changes on protein structure and function output the following: SIFT: "Not Available"; PolyPhen-2: "Benign"; Align-GVGD: "Not Available". The alanine amino acid residue is found in multiple mammalian species, which suggests that this missense change does not adversely affect protein function. In summary, the available evidence is currently insufficient to determine the role of this variant in disease. Therefore, it has been classified as a Variant of Uncertain Significance.

Blueprint Genetics
Classification: Likely benign. Last evaluated: 2021-06-29. Review status: criteria provided, single submitter. Criteria: ACMG Guidelines, 2015. Collection method: clinical testing. Allele origin: germline.

NM_001282531.3(ADNP):c.2942T>C (p.Val981Ala)

Gene: ADNP (activity dependent neuroprotector homeobox; minus strand). Cytogenetic location: 20q13.13.
Variant type: single nucleotide variant.
Coding change: c.2942T>C on transcript NM_001282531.3 (MANE Select); coding-DNA position 2942, T replaced by C.
Protein change: p.Val981Ala; replaces valine 981 with alanine.
Molecular consequence: missense variant.
Genome position (GRCh38, 1-based): chr20:50,891,772, A>G on the plus strand (T>C on the coding strand, the complement: ADNP is on the minus strand). VCF-style: chr20-50891772-A-G. GRCh37 (hg19) VCF-style: chr20-49508309-A-G.
Other names: c.2942T>C, p.Val981Ala (NM_001282532.2, NM_001347511.2, NM_015339.5 and 1 more transcripts); short protein forms V981A.
Identifiers: ClinVar variation 1972673 (VCV001972673.6), dbSNP rs745827301, ClinGen allele CA9908487.